The following is an entry in ClinVar:

NM_001754.5(RUNX1):c.457A>G (p.Asn153Asp)

Genes: RUNX1 (RUNX family transcription factor 1; minus strand), RUNX1-AS1 (RUNX1 antisense RNA 1; plus strand). Cytogenetic location: 21q22.12.
Variant type: single nucleotide variant.
Coding change: c.457A>G on transcript NM_001754.5 (MANE Select); coding-DNA position 457, A replaced by G.
Protein change: p.Asn153Asp; replaces asparagine 153 with aspartic acid.
Molecular consequence: missense variant.
Genome position (GRCh38, 1-based): chr21:34,880,608, T>C on the plus strand (A>G on the coding strand, the complement: RUNX1 is on the minus strand). VCF-style: chr21-34880608-T-C. GRCh37 (hg19) VCF-style: chr21-36252905-T-C.
Other names: c.376A>G, p.Asn126Asp (NM_001001890.3, NM_001122607.2); short protein forms N153D, N126D.
Identifiers: ClinVar variation 5028578 (VCV005028578.1).

ClinVar aggregate classification (germline): Uncertain significance (1 of 4 stars; one submission).

Conditions:
Inborn genetic diseases. Identifiers: MedGen C0950123, MeSH D030342.

Submission:

Ambry Genetics
Classification: Uncertain significance for Inborn genetic diseases. Last evaluated: 2026-07-07. Review status: criteria provided, single submitter. Criteria: Ambry Variant Classification Scheme 2023. Collection method: clinical testing. Allele origin: germline.
Comment: The p.N153D variant (also known as c.457A>G), located in coding exon 4 of the RUNX1 gene, results from an A to G substitution at nucleotide position 457. The asparagine at codon 153 is replaced by aspartic acid, an amino acid with highly similar properties. This amino acid position is conserved. In addition, this alteration is predicted to be deleterious by in silico analysis. Based on the available evidence, the clinical significance of this variant remains unclear.